The following is an entry in ClinVar:

ClinVar aggregate classification (germline): Likely benign (1 of 4 stars; one submission).

Conditions:
MNX1-related disorder. Also called: MNX1-related condition.

gnomAD v4.1: 19 of 1,524,088 alleles (0.0012%); highest among the groups gnomAD compares: Non-Finnish European, 0.0017%; no homozygotes.

Submission:

PreventionGenetics, part of Exact Sciences
Classification: Likely benign for MNX1-related condition. Last evaluated: 2024-12-06. Review status: criteria provided, single submitter. Criteria: ACMG Guidelines, 2015. Collection method: clinical testing. Allele origin: germline.
Comment: This variant is classified as likely benign based on ACMG/AMP sequence variant interpretation guidelines (Richards et al. 2015 PMID: 25741868, with internal and published modifications).

NM_005515.4(MNX1):c.1191G>A (p.Gln397=)

Gene: MNX1 (motor neuron and pancreas homeobox 1; minus strand). Cytogenetic location: 7q36.3.
Variant type: single nucleotide variant.
Coding change: c.1191G>A on transcript NM_005515.4 (MANE Select); coding-DNA position 1191, G replaced by A.
Protein change: p.Gln397=; no amino-acid change (glutamine 397 retained).
Molecular consequence: synonymous variant.
Genome position (GRCh38, 1-based): chr7:157,005,535, C>T on the plus strand (G>A on the coding strand, the complement: MNX1 is on the minus strand). VCF-style: chr7-157005535-C-T. GRCh37 (hg19) VCF-style: chr7-156798229-C-T.
Other names: c.555G>A, p.Gln185= (NM_001165255.2).
Identifiers: ClinVar variation 4977448 (VCV004977448.1).
Genomic context (GRCh38, chr7:157,005,535, plus strand): 5'-GCCGGGGCGCTCCGTGCGCGCCGCACCTGCTGGGCCGCGGGGCTCCTACTGGGGCGCGGG[C>T]TGGTGGCTGGGCCGCGGGGGCGGCGAGTCGTCCTCCGAGGAGCAGTCGGAGGAGGCGGCG-3'
Protein context (NP_005506.3, residues 387-401): DDSPPPRPSH[Gln397=]PAPQ